The following is an entry in ClinVar:

ClinVar aggregate classification (germline): Uncertain significance. Review status: criteria provided, multiple submitters, no conflicts (2 of 4 stars). 2 submissions from 2 submitters: Uncertain significance (2). Last evaluated 2023-11-08.

Conditions:
Fanconi anemia (FA). Also called: Fanconi's anemia. Identifiers: Orphanet 84, MedGen C0015625, MeSH D005199, MONDO:0019391.

Allele frequency attached by ClinVar (database versions not stated): ExAC 0.00002; TOPMed 0.00004; gnomAD exomes 0.00001; gnomAD 0.00005 and 0.00004.
gnomAD v4.1: 63 of 1,613,954 alleles (0.0039%); highest among the groups gnomAD compares: Non-Finnish European, 0.0043%; no homozygotes.

Submissions (3):

Labcorp Genetics (formerly Invitae), Labcorp
Classification: Uncertain significance for Fanconi anemia. Last evaluated: 2023-11-08. Review status: criteria provided, single submitter. Criteria: Invitae Variant Classification Sherloc (09022015). Collection method: clinical testing. Allele origin: germline.
Comment: This sequence change falls in intron 4 of the SLX4 gene. It does not directly change the encoded amino acid sequence of the SLX4 protein. It affects a nucleotide within the consensus splice site. This variant is present in population databases (rs748822509, gnomAD 0.003%). This variant has not been reported in the literature in individuals affected with SLX4-related conditions. ClinVar contains an entry for this variant (Variation ID: 1001002). Variants that disrupt the consensus splice site are a relatively common cause of aberrant splicing (PMID: 17576681, 9536098). Algorithms developed to predict the effect of sequence changes on RNA splicing suggest that this variant may disrupt the consensus splice site. In summary, the available evidence is currently insufficient to determine the role of this variant in disease. Therefore, it has been classified as a Variant of Uncertain Significance.

Sema4
Classification: Uncertain significance for Fanconi anemia. Last evaluated: 2021-09-16. Review status: criteria provided, single submitter. Criteria: Sema4 Curation Guidelines. Collection method: curation. Allele origin: germline.
Comment: The SLX4 c.950+3G>T variant has not been reported in literature to our knowledge. This variant was observed in 3/113604 chromosomes in the Non-Finnish European population according to the Genome Aggregation Database (PMID: 32461654). This variant has been reported in ClinVar (Variation ID 1001002). In silico tools that predict the effect of sequence changes on splicing suggest that this variant may not impact splicing, though these predictions have not been confirmed by functional studies The overall evidence is insufficient to meet ACMG/AMP criteria for classifying it as benign or pathogenic. In summary, the clinical significance of this variant is currently uncertain.

Dr. Peter K. Rogan Lab, Western University
No classification provided (evidence only). Condition: Melanoma. Review status: no classification provided. Collection method: in vitro. Allele origin: not applicable. Functional consequence: retained intron. Not counted in ClinVar's aggregate classification.

Literature cited by the submitters: PubMed 17576681 (cited by Labcorp Genetics (formerly Invitae), Labcorp); PubMed 9536098 (cited by Labcorp Genetics (formerly Invitae), Labcorp).

NM_032444.4(SLX4):c.950+3G>T

Gene: SLX4 (SLX4 structure-specific endonuclease subunit; minus strand). Cytogenetic location: 16p13.3.
Variant type: single nucleotide variant.
Coding change: c.950+3G>T on transcript NM_032444.4 (MANE Select); 3 bases into the intron after coding-DNA position 950, G replaced by T.
Molecular consequence: intron variant.
Genome position (GRCh38, 1-based): chr16:3,602,115, C>A on the plus strand (G>T on the coding strand, the complement: SLX4 is on the minus strand). VCF-style: chr16-3602115-C-A. GRCh37 (hg19) VCF-style: chr16-3652116-C-A.
Identifiers: ClinVar variation 1001002 (VCV001001002.6), dbSNP rs748822509, ClinGen allele CA7866704.